The following is an entry in ClinVar:

ClinVar aggregate classification (germline): Uncertain significance (1 of 4 stars; one submission).

Submissions (4):

Women's Health and Genetics/Laboratory Corporation of America, LabCorp
Classification: Uncertain significance. Last evaluated: 2025-09-05. Review status: criteria provided, single submitter. Criteria: LabCorp Variant Classification Summary - May 2015. Collection method: clinical testing. Allele origin: germline.
Comment: Variant summary: DDX11 c.637A>G (p.Arg213Gly) results in a non-conservative amino acid change in the encoded protein sequence. Algorithms developed to predict the effect of missense changes on protein structure and function are either unavailable or do not agree on the potential impact of this missense change. The frequency data for this variant in gnomAD is considered unreliable, as metrics indicate poor data quality at this position. To our knowledge, no occurrence of c.637A>G in individuals affected with DDX11-related conditions and no experimental evidence demonstrating its impact on protein function have been reported. No submitters have cited clinical-significance assessments for this variant to ClinVar. Based on the evidence outlined above, the variant was classified as uncertain significance.

Dr. Peter K. Rogan Lab, Western University
No classification provided (evidence only). Condition: Hepatocellular carcinoma. Review status: no classification provided. Collection method: in vitro. Allele origin: not applicable. Functional consequence: retained intron. Not counted in ClinVar's aggregate classification.

Dr. Peter K. Rogan Lab, Western University
No classification provided (evidence only). Condition: Nonpapillary renal cell carcinoma. Review status: no classification provided. Collection method: in vitro. Allele origin: not applicable. Functional consequence: retained intron. Not counted in ClinVar's aggregate classification.

Dr. Peter K. Rogan Lab, Western University
No classification provided (evidence only). Condition: Ovarian serous cystadenocarcinoma. Review status: no classification provided. Collection method: in vitro. Allele origin: not applicable. Functional consequence: retained intron. Not counted in ClinVar's aggregate classification.

NM_030653.4(DDX11):c.637A>G (p.Arg213Gly)

Gene: DDX11 (DEAD/H-box helicase 11; plus strand). Cytogenetic location: 12p11.21.
Variant type: single nucleotide variant.
Coding change: c.637A>G on transcript NM_030653.4 (MANE Select); coding-DNA position 637, A replaced by G.
Protein change: p.Arg213Gly; replaces arginine 213 with glycine.
Molecular consequence: missense variant. On other transcripts: 5 prime UTR variant (3), non-coding transcript variant (4).
Genome position (GRCh38, 1-based): chr12:31,085,125, A>G. VCF-style: chr12-31085125-A-G. GRCh37 (hg19) VCF-style: chr12-31238059-A-G.
Other names: NC_000012.11:g.31238059A>G; c.637A>G, p.Arg213Gly (NM_001257144.2, NM_001413692.1, NM_001413693.1 and 5 more transcripts); c.559A>G, p.Arg187Gly (NM_001257145.2, NM_001413697.1, NM_001413698.1 and 1 more transcripts); c.550A>G, p.Arg184Gly (NM_001413700.1); c.109A>G, p.Arg37Gly (NM_001413702.1, NM_001413703.1); c.-424A>G (NM_001413704.1, NM_001413705.1); c.-242A>G (NM_001413706.1); short protein forms R184G, R37G, R187G, R213G.
Identifiers: ClinVar variation 4383824 (VCV004383824.2).